The following is an entry in ClinVar:

NM_001042492.3(NF1):c.3917G>C (p.Arg1306Pro)

Gene: NF1 (neurofibromin 1; plus strand). Cytogenetic location: 17q11.2.
Variant type: single nucleotide variant.
Coding change: c.3917G>C on transcript NM_001042492.3 (MANE Select); coding-DNA position 3917, G replaced by C.
Protein change: p.Arg1306Pro; replaces arginine 1306 with proline.
Molecular consequence: missense variant.
Genome position (GRCh38, 1-based): chr17:31,235,964, G>C. VCF-style: chr17-31235964-G-C. GRCh37 (hg19) VCF-style: chr17-29562982-G-C.
Other names: c.3917G>C, p.Arg1306Pro (NM_000267.4); short protein forms R1306P.
Identifiers: ClinVar variation 3237757 (VCV003237757.1), dbSNP rs1306237220.
Genomic context (GRCh38, chr17:31,235,964, plus strand): 5'-GTGCATTTCTGTAGGTATATGGTGCTACCTATCTACAAAAACTCCTGGATCCTTTATTAC[G>C]AATTGTGATCACATCCTCTGATTGGCAACATGTTAGCTTTGAAGTGGATCCTACCAGGTT-3'
Protein context (NP_001035957.1, residues 1296-1316): YLQKLLDPLL[Arg1306Pro]IVITSSDWQH

ClinVar aggregate classification (germline): Uncertain significance (1 of 4 stars; one submission).

Conditions:
Hereditary cancer-predisposing syndrome. Also called: Neoplastic Syndromes, Hereditary; Tumor predisposition; Hereditary neoplastic syndrome; Hereditary Cancer Syndrome. Identifiers: Orphanet 140162, MedGen C0027672, MeSH D009386, MONDO:0015356.
Cardiovascular phenotype. Identifiers: MedGen CN230736.

Submission:

Ambry Genetics
Classification: Uncertain significance for Cardiovascular phenotype; Hereditary cancer-predisposing syndrome. Last evaluated: 2024-03-10. Review status: criteria provided, single submitter. Criteria: Ambry Variant Classification Scheme 2023. Collection method: clinical testing. Allele origin: germline.
Comment: The p.R1306P variant (also known as c.3917G>C), located in coding exon 29 of the NF1 gene, results from a G to C substitution at nucleotide position 3917. The arginine at codon 1306 is replaced by proline, an amino acid with dissimilar properties. This amino acid position is conserved. In addition, this alteration is predicted to be deleterious by in silico analysis. Based on the available evidence, the clinical significance of this alteration remains unclear.